The following is an entry in ClinVar:

NM_000057.4(BLM):c.2462T>G (p.Phe821Cys)

Gene: BLM (BLM RecQ like helicase; plus strand). Cytogenetic location: 15q26.1.
Variant type: single nucleotide variant.
Coding change: c.2462T>G on transcript NM_000057.4 (MANE Select); coding-DNA position 2462, T replaced by G.
Protein change: p.Phe821Cys; replaces phenylalanine 821 with cysteine.
Molecular consequence: missense variant.
Genome position (GRCh38, 1-based): chr15:90,769,493, T>G. VCF-style: chr15-90769493-T-G. GRCh37 (hg19) VCF-style: chr15-91312723-T-G.
Other names: c.2462T>G, p.Phe821Cys (NM_001287246.2, NM_001287247.2); c.1337T>G, p.Phe446Cys (NM_001287248.2); short protein forms F446C, F821C.
Identifiers: ClinVar variation 4867528 (VCV004867528.1).
Genomic context (GRCh38, chr15:90,769,493, plus strand): 5'-ACTAGTGGGGACATGATTTTCGTCAAGATTACAAAAGAATGAATATGCTTCGCCAGAAGT[T>G]TCCTTCTGTTCCGGTGATGGCTCTTACGGCCACAGCTAATCCCAGGGTACAGAAGGACAT-3'
Protein context (NP_000048.1, residues 811-831): YKRMNMLRQK[Phe821Cys]PSVPVMALTA

ClinVar aggregate classification (germline): Uncertain significance (1 of 4 stars; one submission).

Conditions:
Hereditary cancer-predisposing syndrome. Also called: Neoplastic Syndromes, Hereditary; Tumor predisposition; Hereditary Cancer Syndrome; Hereditary neoplastic syndrome. Identifiers: Orphanet 140162, MedGen C0027672, MeSH D009386, MONDO:0015356.

gnomAD v4.1: 2 of 1,614,090 alleles (0.00012%); highest among the groups gnomAD compares: Non-Finnish European, 0.00017%; no homozygotes.

Submission:

Ambry Genetics
Classification: Uncertain significance for Hereditary cancer-predisposing syndrome. Last evaluated: 2026-06-14. Review status: criteria provided, single submitter. Criteria: Ambry Variant Classification Scheme 2023. Collection method: clinical testing. Allele origin: germline.
Comment: The p.F821C variant (also known as c.2462T>G), located in coding exon 11 of the BLM gene, results from a T to G substitution at nucleotide position 2462. The phenylalanine at codon 821 is replaced by cysteine, an amino acid with highly dissimilar properties. This amino acid position is conserved. In addition, the in silico prediction for this alteration is inconclusive. Based on the available evidence, the clinical significance of this variant remains unclear.